The following is an entry in ClinVar:

NM_201384.3(PLEC):c.11975G>A (p.Arg3992His)

Gene: PLEC (plectin; minus strand). Cytogenetic location: 8q24.3.
Variant type: single nucleotide variant.
Coding change: c.11975G>A on transcript NM_201384.3 (MANE Select); coding-DNA position 11975, G replaced by A.
Protein change: p.Arg3992His; replaces arginine 3992 with histidine.
Molecular consequence: missense variant.
Genome position (GRCh38, 1-based): chr8:143,917,846, C>T on the plus strand (G>A on the coding strand, the complement: PLEC is on the minus strand). VCF-style: chr8-143917846-C-T. GRCh37 (hg19) VCF-style: chr8-144992014-C-T.
Other names: c.12056G>A, p.Arg4019His (NM_000445.5); c.11933G>A, p.Arg3978His (NM_201378.4); c.11909G>A, p.Arg3970His (NM_201379.3); c.12386G>A, p.Arg4129His (NM_201380.4); c.11879G>A, p.Arg3960His (NM_201381.3); c.11975G>A, p.Arg3992His (NM_201382.4); c.11987G>A, p.Arg3996His (NM_201383.3); c.12056G>A (NM_000445.3); short protein forms R3960H, R3970H, R3978H, R3992H, R3996H, R4019H, R4129H.
Identifiers: ClinVar variation 499222 (VCV000499222.12), dbSNP rs781830007, ClinGen allele CA4924203.

ClinVar aggregate classification (germline): Uncertain significance. Review status: criteria provided, multiple submitters, no conflicts (2 of 4 stars). 4 submissions from 4 submitters: Uncertain significance (4). Last evaluated 2026-07-06.

Conditions:
Autosomal recessive limb-girdle muscular dystrophy type 2Q (LGMDR17). Also called: MUSCULAR DYSTROPHY, LIMB-GIRDLE, AUTOSOMAL RECESSIVE 17. Identifiers: Orphanet 254361, MedGen C3150989, MONDO:0013390, OMIM 613723.
Epidermolysis bullosa simplex 5B, with muscular dystrophy (EBS5B). Also called: EPIDERMOLYSIS BULLOSA SIMPLEX AND LIMB-GIRDLE MUSCULAR DYSTROPHY; Epidermolysis bullosa simplex with muscular dystrophy. Identifiers: Orphanet 257, MedGen C2931072, MONDO:0009181, OMIM 226670.
Epidermolysis bullosa simplex, Ogna type (EBS5A). Also called: Pidermolysis bullosa simplex 5A, Ogna type; EPIDERMOLYSIS BULLOSA SIMPLEX 5A, OGNA TYPE. Identifiers: Orphanet 79401, MedGen C0432317, MONDO:0007555, OMIM 131950.
Epidermolysis bullosa simplex with nail dystrophy (EBS5D). Identifiers: MedGen C4225309, MONDO:0014661, OMIM 616487.
Epidermolysis bullosa simplex 5C, with pyloric atresia (EBS5C). Also called: PLEC-Related Epidermolysis Bullosa with Pyloric Atresia; Epidermolysis bullosa simplex with pyloric atresia; PLEC1-Related Epidermolysis Bullosa with Pyloric Atresia. Identifiers: Orphanet 158684, MedGen C2677349, MONDO:0012807, OMIM 612138.
Inborn genetic diseases. Identifiers: MedGen C0950123, MeSH D030342.
PLEC-related disorder. Also called: PLEC-related disorders; PLEC-related condition.

Allele frequency attached by ClinVar (database versions not stated): TOPMed 0.00002; gnomAD 0.00003 and 0.00004; ExAC 0.00005; gnomAD exomes 0.00006.
gnomAD v4.1: 59 of 1,613,170 alleles (0.0037%); highest among the groups gnomAD compares: Admixed American, 0.013%; no homozygotes.

Submissions (4):

PreventionGenetics, part of Exact Sciences
Classification: Uncertain significance for PLEC-related condition. Last evaluated: 2026-07-06. Review status: criteria provided, single submitter. Criteria: ACMG Guidelines, 2015. Collection method: clinical testing. Allele origin: germline.
Comment: The PLEC c.12056G>A variant is predicted to result in the amino acid substitution p.Arg4019His. To our knowledge, this variant has not been reported in the literature. This variant is reported in 0.014% of alleles in individuals of Latino descent in gnomAD. At this time, the clinical significance of this variant is uncertain due to the absence of conclusive functional and genetic evidence.

Labcorp Genetics (formerly Invitae), Labcorp
Classification: Uncertain significance for Autosomal recessive limb-girdle muscular dystrophy type 2Q; Epidermolysis bullosa simplex, Ogna type; Epidermolysis bullosa simplex with nail dystrophy; Epidermolysis bullosa simplex 5C, with pyloric atresia; Epidermolysis bullosa simplex 5B, with muscular dystrophy. Last evaluated: 2024-10-31. Review status: criteria provided, single submitter. Criteria: Invitae Variant Classification Sherloc (09022015). Collection method: clinical testing. Allele origin: germline.
Comment: This sequence change replaces arginine, which is basic and polar, with histidine, which is basic and polar, at codon 4019 of the PLEC protein (p.Arg4019His). This variant is present in population databases (rs781830007, gnomAD 0.01%). This variant has not been reported in the literature in individuals affected with PLEC-related conditions. ClinVar contains an entry for this variant (Variation ID: 499222). Invitae Evidence Modeling of protein sequence and biophysical properties (such as structural, functional, and spatial information, amino acid conservation, physicochemical variation, residue mobility, and thermodynamic stability) has been performed for this missense variant. However, the output from this modeling did not meet the statistical confidence thresholds required to predict the impact of this variant on PLEC protein function. In summary, the available evidence is currently insufficient to determine the role of this variant in disease. Therefore, it has been classified as a Variant of Uncertain Significance.

Ambry Genetics
Classification: Uncertain significance for Inborn genetic diseases. Last evaluated: 2024-03-11. Review status: criteria provided, single submitter. Criteria: Ambry Variant Classification Scheme 2023. Collection method: clinical testing. Allele origin: germline.

Eurofins Ntd Llc (ga)
Classification: Uncertain significance. Last evaluated: 2017-01-04. Review status: criteria provided, single submitter. Criteria: EGL Classification Definitions 2015. Collection method: clinical testing. Allele origin: germline. Observed: 1 variant allele, 1 heterozygote.